The following is an entry in ClinVar:

NM_001199799.2(ILDR1):c.405G>A (p.Val135=)

Gene: ILDR1 (immunoglobulin like domain containing receptor 1; minus strand). Cytogenetic location: 3q13.33.
Variant type: single nucleotide variant.
Coding change: c.405G>A on transcript NM_001199799.2 (MANE Select); coding-DNA position 405, G replaced by A.
Protein change: p.Val135=; no amino-acid change (valine 135 retained).
Molecular consequence: synonymous variant. On other transcripts: intron variant (1).
Genome position (GRCh38, 1-based): chr3:122,001,839, C>T on the plus strand (G>A on the coding strand, the complement: ILDR1 is on the minus strand). VCF-style: chr3-122001839-C-T. GRCh37 (hg19) VCF-style: chr3-121720686-C-T.
Other names: c.405G>A, p.Val135= (NM_175924.4); c.379+3405G>A (NM_001199800.2).
Identifiers: ClinVar variation 3365978 (VCV003365978.3).

ClinVar aggregate classification (germline): Conflicting classifications of pathogenicity. Review status: criteria provided, conflicting classifications (1 of 4 stars). 2 submissions from 2 submitters: Uncertain significance (1); Likely benign (1). Last evaluated 2024-04-17.

Submissions (2):

Labcorp Genetics (formerly Invitae), Labcorp
Classification: Likely benign. Last evaluated: 2024-04-17. Review status: criteria provided, single submitter. Criteria: Invitae Variant Classification Sherloc (09022015). Collection method: clinical testing. Allele origin: germline.

GeneDx
Classification: Uncertain significance. Last evaluated: 2023-10-16. Review status: criteria provided, single submitter. Criteria: GeneDx Variant Classification Process June 2021. Collection method: clinical testing. Allele origin: germline. Affected: yes.
Comment: In silico analysis supports that this variant does not alter splicing; Has not been previously published as pathogenic or benign to our knowledge